The following is an entry in ClinVar:

ClinVar aggregate classification (germline): Uncertain significance (1 of 4 stars; one submission).

Submission:

Labcorp Genetics (formerly Invitae), Labcorp
Classification: Uncertain significance. Last evaluated: 2023-12-09. Review status: criteria provided, single submitter. Criteria: Invitae Variant Classification Sherloc (09022015). Collection method: clinical testing. Allele origin: germline.
Comment: This sequence change replaces aspartic acid, which is acidic and polar, with alanine, which is neutral and non-polar, at codon 168 of the MSH3 protein (p.Asp168Ala). This variant is not present in population databases (gnomAD no frequency). This variant has not been reported in the literature in individuals affected with MSH3-related conditions. An algorithm developed to predict the effect of missense changes on protein structure and function (PolyPhen-2) suggests that this variant is likely to be tolerated. In summary, the available evidence is currently insufficient to determine the role of this variant in disease. Therefore, it has been classified as a Variant of Uncertain Significance.

NM_002439.5(MSH3):c.503A>C (p.Asp168Ala)

Gene: MSH3 (mutS homolog 3; plus strand). Cytogenetic location: 5q14.1.
Variant type: single nucleotide variant.
Coding change: c.503A>C on transcript NM_002439.5 (MANE Select); coding-DNA position 503, A replaced by C.
Protein change: p.Asp168Ala; replaces aspartic acid 168 with alanine.
Molecular consequence: missense variant.
Genome position (GRCh38, 1-based): chr5:80,665,287, A>C. VCF-style: chr5-80665287-A-C. GRCh37 (hg19) VCF-style: chr5-79961106-A-C.
Other names: short protein forms D168A.
Identifiers: ClinVar variation 2786909 (VCV002786909.3), dbSNP rs2546717519, ClinGen allele CA360263966.